The following is an entry in ClinVar:

NM_001042492.3(NF1):c.5885A>T (p.His1962Leu)

Gene: NF1 (neurofibromin 1; plus strand). Cytogenetic location: 17q11.2.
Variant type: single nucleotide variant.
Coding change: c.5885A>T on transcript NM_001042492.3 (MANE Select); coding-DNA position 5885, A replaced by T.
Protein change: p.His1962Leu; replaces histidine 1962 with leucine.
Molecular consequence: missense variant.
Genome position (GRCh38, 1-based): chr17:31,334,910, A>T. VCF-style: chr17-31334910-A-T. GRCh37 (hg19) VCF-style: chr17-29661928-A-T.
Other names: c.5822A>T, p.His1941Leu (NM_000267.4); short protein forms H1962L, H1941L.
Identifiers: ClinVar variation 4615824 (VCV004615824.1).

ClinVar aggregate classification (germline): Uncertain significance (1 of 4 stars; one submission).

Conditions:
Cardiovascular phenotype. Identifiers: MedGen CN230736.
Hereditary cancer-predisposing syndrome. Also called: Neoplastic Syndromes, Hereditary; Tumor predisposition; Hereditary Cancer Syndrome; Hereditary neoplastic syndrome. Identifiers: Orphanet 140162, MedGen C0027672, MeSH D009386, MONDO:0015356.

Submission:

Ambry Genetics
Classification: Uncertain significance for Cardiovascular phenotype; Hereditary cancer-predisposing syndrome. Last evaluated: 2025-12-11. Review status: criteria provided, single submitter. Criteria: Ambry Variant Classification Scheme 2023. Collection method: clinical testing. Allele origin: germline.
Comment: The p.H1941L variant (also known as c.5822A>T), located in coding exon 39 of the NF1 gene, results from an A to T substitution at nucleotide position 5822. The histidine at codon 1941 is replaced by leucine, an amino acid with similar properties. This amino acid position is highly conserved in available vertebrate species. In addition, this alteration is predicted to be tolerated by in silico analysis. Based on the available evidence, the clinical significance of this variant remains unclear.